The following is an entry in ClinVar:

NM_000282.4(PCCA):c.1165A>T (p.Ile389Phe)

Gene: PCCA (propionyl-CoA carboxylase subunit alpha; plus strand). Cytogenetic location: 13q32.3.
Variant type: single nucleotide variant.
Coding change: c.1165A>T on transcript NM_000282.4 (MANE Select); coding-DNA position 1165, A replaced by T.
Protein change: p.Ile389Phe; replaces isoleucine 389 with phenylalanine.
Molecular consequence: missense variant. On other transcripts: non-coding transcript variant (5), intron variant (3).
Genome position (GRCh38, 1-based): chr13:100,301,559, A>T. VCF-style: chr13-100301559-A-T. GRCh37 (hg19) VCF-style: chr13-100953813-A-T.
Other names: c.1087A>T, p.Ile363Phe (NM_001127692.3, NM_001352607.2); c.1165A>T, p.Ile389Phe (NM_001178004.2, NM_001352605.2, NM_001352609.2); c.220A>T, p.Ile74Phe (NM_001352610.2, NM_001352611.2); c.1066-1365A>T (NM_001352606.2); c.121-1365A>T (NM_001352612.2); c.988-1365A>T (NM_001352608.2); short protein forms I389F, I74F, I363F.
Identifiers: ClinVar variation 2509978 (VCV002509978.3), dbSNP rs1051511347, ClinGen allele CA255987365.

ClinVar aggregate classification (germline): Uncertain significance. Review status: criteria provided, multiple submitters, no conflicts (2 of 4 stars). 2 submissions from 2 submitters: Uncertain significance (2). Last evaluated 2024-12-30.

Conditions:
Inborn genetic diseases. Identifiers: MedGen C0950123, MeSH D030342.

Allele frequency attached by ClinVar (database versions not stated): gnomAD 0.00002; gnomAD exomes 0.00002.
gnomAD v4.1: 36 of 1,613,982 alleles (0.0022%); highest among the groups gnomAD compares: Non-Finnish European, 0.003%; no homozygotes.

Submissions (2):

GeneDx
Classification: Uncertain significance. Last evaluated: 2024-12-30. Review status: criteria provided, single submitter. Criteria: GeneDx Variant Classification Process June 2021. Collection method: clinical testing. Allele origin: germline. Affected: yes.
Comment: Not observed at significant frequency in large population cohorts (gnomAD); In silico analysis supports that this missense variant has a deleterious effect on protein structure/function; Has not been previously published as pathogenic or benign to our knowledge

Ambry Genetics
Classification: Uncertain significance for Inborn genetic diseases. Last evaluated: 2023-06-01. Review status: criteria provided, single submitter. Criteria: Ambry Variant Classification Scheme 2023. Collection method: clinical testing. Allele origin: germline.